The following is an entry in ClinVar:

NM_006899.5(IDH3B):c.148C>A (p.Pro50Thr)

Gene: IDH3B (isocitrate dehydrogenase (NAD(+)) 3 non-catalytic subunit beta; minus strand). Cytogenetic location: 20p13.
Variant type: single nucleotide variant.
Coding change: c.148C>A on transcript NM_006899.5 (MANE Select); coding-DNA position 148, C replaced by A.
Protein change: p.Pro50Thr; replaces proline 50 with threonine.
Molecular consequence: missense variant. On other transcripts: non-coding transcript variant (1).
Genome position (GRCh38, 1-based): chr20:2,663,728, G>T on the plus strand (C>A on the coding strand, the complement: IDH3B is on the minus strand). VCF-style: chr20-2663728-G-T. GRCh37 (hg19) VCF-style: chr20-2644374-G-T.
Other names: c.148C>A, p.Pro50Thr (NM_001258384.3, NM_001330763.2, NM_174855.4); short protein forms P50T.
Identifiers: ClinVar variation 1961378 (VCV001961378.5), dbSNP rs1294818224, ClinGen allele CA408040358.

ClinVar aggregate classification (germline): Uncertain significance (1 of 4 stars; one submission).

gnomAD v4.1: 1 of 1,614,214 alleles (0.000062%); highest among the groups gnomAD compares: Non-Finnish European, 0.000085%; no homozygotes.

Submission:

Labcorp Genetics (formerly Invitae), Labcorp
Classification: Uncertain significance. Last evaluated: 2022-01-03. Review status: criteria provided, single submitter. Criteria: Invitae Variant Classification Sherloc (09022015). Collection method: clinical testing. Allele origin: germline.
Comment: This variant is not present in population databases (gnomAD no frequency). This sequence change replaces proline, which is neutral and non-polar, with threonine, which is neutral and polar, at codon 50 of the IDH3B protein (p.Pro50Thr). This variant has not been reported in the literature in individuals affected with IDH3B-related conditions. In summary, the available evidence is currently insufficient to determine the role of this variant in disease. Therefore, it has been classified as a Variant of Uncertain Significance. Algorithms developed to predict the effect of missense changes on protein structure and function are either unavailable or do not agree on the potential impact of this missense change (SIFT: "Not Available"; PolyPhen-2: "Benign"; Align-GVGD: "Not Available").